The following is an entry in ClinVar:

NM_025136.4(OPA3):c.352G>C (p.Ala118Pro)

Genes: OPA3 (outer mitochondrial membrane lipid metabolism regulator OPA3; minus strand), OPA3-RTN2 (OPA3-RTN2 readthrough; minus strand). Cytogenetic location: 19q13.32.
Variant type: single nucleotide variant.
Coding change: c.352G>C on transcript NM_025136.4 (MANE Select); coding-DNA position 352, G replaced by C.
Protein change: p.Ala118Pro; replaces alanine 118 with proline.
Molecular consequence: missense variant. On other transcripts: intron variant (1).
Genome position (GRCh38, 1-based): chr19:45,553,702, C>G on the plus strand (G>C on the coding strand, the complement: OPA3 is on the minus strand). VCF-style: chr19-45553702-C-G. GRCh37 (hg19) VCF-style: chr19-46056960-C-G.
Other names: c.143-24246G>C (NM_001017989.3); short protein forms A118P.
Identifiers: ClinVar variation 2167395 (VCV002167395.2), dbSNP rs772116334, ClinGen allele CA9517413.

ClinVar aggregate classification (germline): Uncertain significance (1 of 4 stars; one submission).

Conditions:
Optic atrophy 3 (OPA3). Also called: OPTIC ATROPHY 3, AUTOSOMAL DOMINANT; Optic atrophy, cataract, and neurologic disorder; Optic atrophy 3 with cataract. Identifiers: Orphanet 67036, MedGen C1833809, MONDO:0008133, OMIM 165300.
3-Methylglutaconic aciduria type 3 (MGCA3). Also called: OPA3, AUTOSOMAL RECESSIVE; OPTIC ATROPHY 3, AUTOSOMAL RECESSIVE; OPA3-Related 3-Methylglutaconic Aciduria; Costeff Syndrome. Identifiers: Orphanet 67047, MedGen C0574084, MONDO:0009787, OMIM 258501.

gnomAD v4.1: 2 of 1,607,920 alleles (0.00012%); highest among the groups gnomAD compares: Non-Finnish European, 0.00017%; no homozygotes.

Submission:

Labcorp Genetics (formerly Invitae), Labcorp
Classification: Uncertain significance for 3-Methylglutaconic aciduria type 3; Optic atrophy 3. Last evaluated: 2025-08-26. Review status: criteria provided, single submitter. Criteria: Invitae Variant Classification Sherloc (09022015). Collection method: clinical testing. Allele origin: germline.
Comment: This sequence change replaces alanine, which is neutral and non-polar, with proline, which is neutral and non-polar, at codon 118 of the OPA3 protein (p.Ala118Pro). This variant is present in population databases (rs772116334, gnomAD 0.002%). This variant has not been reported in the literature in individuals affected with OPA3-related conditions. ClinVar contains an entry for this variant (Variation ID: 2167395). An algorithm developed to predict the effect of missense changes on protein structure and function (PolyPhen-2) suggests that this variant is likely to be disruptive. In summary, the available evidence is currently insufficient to determine the role of this variant in disease. Therefore, it has been classified as a Variant of Uncertain Significance.